The following is an entry in ClinVar:

ClinVar aggregate classification (germline): Likely pathogenic. Review status: criteria provided, multiple submitters, no conflicts (2 of 4 stars). 3 submissions from 3 submitters: Likely pathogenic (3). Last evaluated 2025-11-13.

Conditions:
Aicardi-Goutieres syndrome 5. Identifiers: Orphanet 51, MedGen C2749659, MONDO:0013059, OMIM 612952.
Aicardi Goutieres syndrome (AGS). Also called: Encephalopathy, familial infantile, with calcification of basal ganglia and chronic cerebrospinal fluid lymphocytosis. Identifiers: Orphanet 51, MedGen C0393591, MONDO:0018866.
SAMHD1-related disorder. Also called: SAMHD1-related condition.

Allele frequency attached by ClinVar (database versions not stated): ExAC 0.00001; gnomAD 0.00001; gnomAD exomes 0.00001.
gnomAD v4.1: 14 of 1,613,258 alleles (0.00087%); highest among the groups gnomAD compares: African/African-American, 0.0013%; no homozygotes.

Submissions (3):

Labcorp Genetics (formerly Invitae), Labcorp
Classification: Likely pathogenic for Aicardi-Goutieres syndrome 5. Last evaluated: 2025-11-13. Review status: criteria provided, single submitter. Criteria: Invitae Variant Classification Sherloc (09022015). Collection method: clinical testing. Allele origin: germline.
Comment: This sequence change replaces arginine, which is basic and polar, with histidine, which is basic and polar, at codon 290 of the SAMHD1 protein (p.Arg290His). This variant is present in population databases (rs559553527, gnomAD 0.0009%). This missense change has been observed in individuals with Aicardi-Goutieres syndrome (PMID: 20464292, 36115319). ClinVar contains an entry for this variant (Variation ID: 2501214). Invitae Evidence Modeling of protein sequence and biophysical properties (such as structural, functional, and spatial information, amino acid conservation, physicochemical variation, residue mobility, and thermodynamic stability) indicates that this missense variant is expected to disrupt SAMHD1 protein function with a positive predictive value of 95%. Experimental studies have shown that this missense change affects SAMHD1 function (PMID: 28229507). In summary, the currently available evidence indicates that the variant is pathogenic, but additional data are needed to prove that conclusively. Therefore, this variant has been classified as Likely Pathogenic.

Blueprint Genetics
Classification: Likely pathogenic for SAMHD1-related disorders. Last evaluated: 2024-09-03. Review status: criteria provided, single submitter. Criteria: ACMG Guidelines, 2015. Collection method: clinical testing. Allele origin: germline. Affected: yes. Observed: 2 variant alleles.

Women's Health and Genetics/Laboratory Corporation of America, LabCorp
Classification: Likely pathogenic for Aicardi Goutieres syndrome. Last evaluated: 2023-03-31. Review status: criteria provided, single submitter. Criteria: LabCorp Variant Classification Summary - May 2015. Collection method: clinical testing. Allele origin: germline.
Comment: Variant summary: SAMHD1 c.869G>A (p.Arg290His) results in a non-conservative amino acid change located in the HD/PDEase domain (IPR003607) of the encoded protein sequence. Five of five in-silico tools predict a damaging effect of the variant on protein function. The variant allele was found at a frequency of 4e-06 in 251242 control chromosomes (gnomAD). c.869G>A has been reported in the literature in at least individual affected with Aicardi Goutieres Syndrome, who carried a nonsense variant in trans (Ramantani_2010). Publications reported increased DNA damage accompanied by type 1 IFN activation and increased cellular senesce in patient derived cells (Kretschmer_2014), in addition experimental evidence evaluating an impact on protein function demonstrated oligomerization defect for the variant protein (White_2017). Another missense affecting the same amino acid (R290H) is reported in affected individual(s) (HGMD). No clinical diagnostic laboratories have submitted clinical-significance assessments for this variant to ClinVar after 2014. Based on the evidence outlined above, the variant was classified as likely pathogenic.

Literature cited by the submitters: PubMed 20464292 (cited by Labcorp Genetics (formerly Invitae), Labcorp); PubMed 36115319 (cited by Labcorp Genetics (formerly Invitae), Labcorp and Women's Health and Genetics/Laboratory Corporation of America, LabCorp); PubMed 28229507 (cited by Labcorp Genetics (formerly Invitae), Labcorp and Women's Health and Genetics/Laboratory Corporation of America, LabCorp); PubMed 20131292 (cited by Women's Health and Genetics/Laboratory Corporation of America, LabCorp); PubMed 24445253 (cited by Women's Health and Genetics/Laboratory Corporation of America, LabCorp); PubMed 32384610 (cited by Women's Health and Genetics/Laboratory Corporation of America, LabCorp); PubMed 24035396 (cited by Women's Health and Genetics/Laboratory Corporation of America, LabCorp).

NM_015474.4(SAMHD1):c.869G>A (p.Arg290His)

Gene: SAMHD1 (SAM and HD domain containing deoxynucleoside triphosphate triphosphohydrolase 1; minus strand). Cytogenetic location: 20q11.23.
Variant type: single nucleotide variant.
Coding change: c.869G>A on transcript NM_015474.4 (MANE Select); coding-DNA position 869, G replaced by A.
Protein change: p.Arg290His; replaces arginine 290 with histidine.
Molecular consequence: missense variant.
Genome position (GRCh38, 1-based): chr20:36,917,033, C>T on the plus strand (G>A on the coding strand, the complement: SAMHD1 is on the minus strand). VCF-style: chr20-36917033-C-T. GRCh37 (hg19) VCF-style: chr20-35545436-C-T.
Other names: c.869G>A, p.Arg290His (NM_001363729.2, NM_001363733.2); short protein forms R290H.
Identifiers: ClinVar variation 2501214 (VCV002501214.3), dbSNP rs559553527, ClinGen allele CA9844630.